The following is an entry in ClinVar:

ClinVar aggregate classification (germline): Uncertain significance. Review status: criteria provided, multiple submitters, no conflicts (2 of 4 stars). 2 submissions from 2 submitters: Uncertain significance (2). Last evaluated 2025-07-25.

Conditions:
Inborn genetic diseases. Identifiers: MedGen C0950123, MeSH D030342.

Allele frequency attached by ClinVar (database versions not stated): gnomAD exomes below 0.00001.
gnomAD v4.1: 1 of 1,613,218 alleles (0.000062%); highest among the groups gnomAD compares: Non-Finnish European, 0.000085%; no homozygotes.

Submissions (2):

Ambry Genetics
Classification: Uncertain significance for Inborn genetic diseases. Last evaluated: 2025-07-25. Review status: criteria provided, single submitter. Criteria: Ambry Variant Classification Scheme 2023. Collection method: clinical testing. Allele origin: germline.

Labcorp Genetics (formerly Invitae), Labcorp
Classification: Uncertain significance. Last evaluated: 2022-08-17. Review status: criteria provided, single submitter. Criteria: Invitae Variant Classification Sherloc (09022015). Collection method: clinical testing. Allele origin: germline.
Comment: This sequence change replaces proline, which is neutral and non-polar, with alanine, which is neutral and non-polar, at codon 78 of the NDUFAF3 protein (p.Pro78Ala). This variant is not present in population databases (gnomAD no frequency). This variant has not been reported in the literature in individuals affected with NDUFAF3-related conditions. Algorithms developed to predict the effect of missense changes on protein structure and function (SIFT, PolyPhen-2, Align-GVGD) all suggest that this variant is likely to be disruptive. In summary, the available evidence is currently insufficient to determine the role of this variant in disease. Therefore, it has been classified as a Variant of Uncertain Significance.

NM_199069.2(NDUFAF3):c.232C>G (p.Pro78Ala)

Genes: NDUFAF3 (NADH:ubiquinone oxidoreductase complex assembly factor 3; plus strand), LOC129936731 (ATAC-STARR-seq lymphoblastoid silent region 14351; plus strand). Cytogenetic location: 3p21.31.
Variant type: single nucleotide variant.
Coding change: c.232C>G on transcript NM_199069.2 (MANE Select); coding-DNA position 232, C replaced by G.
Protein change: p.Pro78Ala; replaces proline 78 with alanine.
Molecular consequence: missense variant.
Genome position (GRCh38, 1-based): chr3:49,022,500, C>G. VCF-style: chr3-49022500-C-G. GRCh37 (hg19) VCF-style: chr3-49059933-C-G.
Other names: c.232C>G (NM_199069.1); c.61C>G, p.Pro21Ala (NM_199070.2, NM_199073.2, NM_199074.2); short protein forms P21A, P78A.
Identifiers: ClinVar variation 2024476 (VCV002024476.2), dbSNP rs2471619434, ClinGen allele CA352728471.